The following is an entry in ClinVar:

ClinVar aggregate classification (germline): Uncertain significance. Review status: criteria provided, multiple submitters, no conflicts (2 of 4 stars). 6 submissions from 4 submitters: Uncertain significance (6). Last evaluated 2024-12-27.

Conditions:
Permanent neonatal diabetes mellitus (PNDM). Identifiers: Orphanet 99885, MedGen C1833104, MONDO:0100164, MONDO:0011643. Disease mechanism: gain of function.
Diabetes mellitus, transient neonatal, 2 (TNDM2). Identifiers: Orphanet 99886, MedGen C1835887, MONDO:0012480, OMIM 610374. Disease mechanism: loss of function.
Hyperinsulinemic hypoglycemia, familial, 1 (HHF1). Also called: Persistent Hyperinsulinemia Hypoglycemia of Infancy; Persistent hyperinsulinemic hypoglycemia of infancy; HYPERINSULINISM, FAMILIAL, WITH PANCREATIC NESIDIOBLASTOSIS; HYPOGLYCEMIA, HYPERINSULINEMIC, OF INFANCY; NESIDIOBLASTOSIS OF PANCREAS. Identifiers: Orphanet 276575, Orphanet 276598, MedGen C2931832, MONDO:0009734, OMIM 256450.
Type 2 diabetes mellitus. Also called: Type II diabetes mellitus. Identifiers: MedGen C0011860, MeSH D003924, MONDO:0005148, OMIM 125853, HP:0005978.

Allele frequency attached by ClinVar (database versions not stated): gnomAD 0.00002; TOPMed 0.00002; ExAC 0.00003; gnomAD exomes 0.00003 and 0.00007; ESP Exome Variant Server 0.00008.
gnomAD v4.1: 106 of 1,611,818 alleles (0.0066%); highest among the groups gnomAD compares: Non-Finnish European, 0.0086%; no homozygotes.

Submissions (6):

GeneDx
Classification: Uncertain significance. Last evaluated: 2024-12-27. Review status: criteria provided, single submitter. Criteria: GeneDx Variant Classification Process June 2021. Collection method: clinical testing. Allele origin: germline. Affected: yes.
Comment: Observed heterozygous in a patient with congenital hyperinsulinism who was also heterozygous for a variant in KCNJ11 in published literature; the unaffected father was heterozygous for both variants (PMID: 29127764); Functional studies show Y1293D may affect ABCC8 channel activation but additional experimentation is needed to understand significance (PMID: 29127764); In silico analysis supports that this missense variant has a deleterious effect on protein structure/function; This variant is associated with the following publications: (PMID: 29127764, 32041611)

Labcorp Genetics (formerly Invitae), Labcorp
Classification: Uncertain significance. Last evaluated: 2022-06-09. Review status: criteria provided, single submitter. Criteria: Invitae Variant Classification Sherloc (09022015). Collection method: clinical testing. Allele origin: germline.
Comment: This sequence change replaces tyrosine, which is neutral and polar, with aspartic acid, which is acidic and polar, at codon 1293 of the ABCC8 protein (p.Tyr1293Asp). This variant is present in population databases (rs368710356, gnomAD 0.006%). This missense change has been observed in individual(s) with ABCC8-related conditions (PMID: 29127764). ClinVar contains an entry for this variant (Variation ID: 879829). Advanced modeling of protein sequence and biophysical properties (such as structural, functional, and spatial information, amino acid conservation, physicochemical variation, residue mobility, and thermodynamic stability) performed at Invitae indicates that this missense variant is expected to disrupt ABCC8 protein function. In summary, the available evidence is currently insufficient to determine the role of this variant in disease. Therefore, it has been classified as a Variant of Uncertain Significance.

MGZ Medical Genetics Center
Classification: Uncertain significance for Type 2 diabetes mellitus. Last evaluated: 2022-01-21. Review status: criteria provided, single submitter. Criteria: ACMG Guidelines, 2015. Collection method: clinical testing. Allele origin: germline. Affected: yes. Observed: 1 variant allele.
Comment: ACMG criteria applied: PM2_SUP, PP3

Illumina Laboratory Services, Illumina
Classification: Uncertain significance for Permanent neonatal diabetes mellitus 1. Last evaluated: 2018-01-13. Review status: criteria provided, single submitter. Criteria: ICSL Variant Classification Criteria 13 December 2019. Collection method: clinical testing. Allele origin: germline.

Illumina Laboratory Services, Illumina
Classification: Uncertain significance for Diabetes mellitus, transient neonatal, 2. Last evaluated: 2018-01-13. Review status: criteria provided, single submitter. Criteria: ICSL Variant Classification Criteria 13 December 2019. Collection method: clinical testing. Allele origin: germline.

Illumina Laboratory Services, Illumina
Classification: Uncertain significance for Hyperinsulinemic hypoglycemia, familial, 1. Last evaluated: 2018-01-13. Review status: criteria provided, single submitter. Criteria: ICSL Variant Classification Criteria 13 December 2019. Collection method: clinical testing. Allele origin: germline.

Literature cited by the submitters: PubMed 29127764 (cited by Labcorp Genetics (formerly Invitae), Labcorp).

NM_000352.6(ABCC8):c.3877T>G (p.Tyr1293Asp)

Gene: ABCC8 (ATP binding cassette subfamily C member 8; minus strand). Cytogenetic location: 11p15.1.
Variant type: single nucleotide variant.
Coding change: c.3877T>G on transcript NM_000352.6 (MANE Select); coding-DNA position 3877, T replaced by G.
Protein change: p.Tyr1293Asp; replaces tyrosine 1293 with aspartic acid.
Molecular consequence: missense variant. On other transcripts: non-coding transcript variant (1).
Genome position (GRCh38, 1-based): chr11:17,397,304, A>C on the plus strand (T>G on the coding strand, the complement: ABCC8 is on the minus strand). VCF-style: chr11-17397304-A-C. GRCh37 (hg19) VCF-style: chr11-17418851-A-C.
Other names: c.3880T>G, p.Tyr1294Asp (NM_001287174.3); c.3943T>G, p.Tyr1315Asp (NM_001351295.2); c.3877T>G, p.Tyr1293Asp (NM_001351296.2); c.3874T>G, p.Tyr1292Asp (NM_001351297.2); short protein forms Y1294D, Y1292D, Y1315D, Y1293D.
Identifiers: ClinVar variation 879829 (VCV000879829.10), dbSNP rs368710356, ClinGen allele CA5902654.